The following is an entry in ClinVar:

ClinVar aggregate classification (germline): Uncertain significance (1 of 4 stars; one submission).

Conditions:
Gamma-aminobutyric acid transaminase deficiency (GABATD). Also called: GABA aminotransaminase deficiency; GABA transaminase deficiency; Gamma aminobutyrate transaminase deficiency; 4 alpha aminobutyrate transaminase deficiency. Identifiers: Orphanet 2066, MedGen C0342708, MONDO:0013166, OMIM 613163.

Submission:

Labcorp Genetics (formerly Invitae), Labcorp
Classification: Uncertain significance for Gamma-aminobutyric acid transaminase deficiency. Last evaluated: 2024-04-22. Review status: criteria provided, single submitter. Criteria: Invitae Variant Classification Sherloc (09022015). Collection method: clinical testing. Allele origin: germline.
Comment: This sequence change replaces leucine, which is neutral and non-polar, with valine, which is neutral and non-polar, at codon 487 of the ABAT protein (p.Leu487Val). This variant is not present in population databases (gnomAD no frequency). This variant has not been reported in the literature in individuals affected with ABAT-related conditions. ClinVar contains an entry for this variant (Variation ID: 2002593). Advanced modeling of protein sequence and biophysical properties (such as structural, functional, and spatial information, amino acid conservation, physicochemical variation, residue mobility, and thermodynamic stability) performed at Invitae indicates that this missense variant is not expected to disrupt ABAT protein function with a negative predictive value of 80%. In summary, the available evidence is currently insufficient to determine the role of this variant in disease. Therefore, it has been classified as a Variant of Uncertain Significance.

NM_020686.6(ABAT):c.1459C>G (p.Leu487Val)

Gene: ABAT (4-aminobutyrate aminotransferase; plus strand). Cytogenetic location: 16p13.2.
Variant type: single nucleotide variant.
Coding change: c.1459C>G on transcript NM_020686.6 (MANE Select); coding-DNA position 1459, C replaced by G.
Protein change: p.Leu487Val; replaces leucine 487 with valine.
Molecular consequence: missense variant. On other transcripts: synonymous variant (2).
Genome position (GRCh38, 1-based): chr16:8,781,386, C>G. VCF-style: chr16-8781386-C-G. GRCh37 (hg19) VCF-style: chr16-8875243-C-G.
Other names: c.1459C>G, p.Leu487Val (NM_000663.5, NM_001127448.2, NM_001386600.1 and 4 more transcripts); c.1420C>G, p.Leu474Val (NM_001386605.1); c.1396C>G, p.Leu466Val (NM_001386606.1, NM_001386607.1); c.1366C>G, p.Leu456Val (NM_001386608.1); c.1347C>G, p.Thr449= (NM_001386609.1); c.1324C>G, p.Leu442Val (NM_001386610.1, NM_001386611.1); c.1261C>G, p.Leu421Val (NM_001386612.1, NM_001386613.1); c.1213C>G, p.Leu405Val (NM_001386614.1); and 2 more; short protein forms L421V, L442V, L466V, L474V, L519V, L456V, L487V, L405V.
Identifiers: ClinVar variation 2002593 (VCV002002593.3), dbSNP rs2549130679, ClinGen allele CA394691638.